The following is an entry in ClinVar:

NM_006361.6(HOXB13):c.44T>G (p.Ile15Ser)

Gene: HOXB13 (homeobox B13; minus strand). Cytogenetic location: 17q21.32.
Variant type: single nucleotide variant.
Coding change: c.44T>G on transcript NM_006361.6 (MANE Select); coding-DNA position 44, T replaced by G.
Protein change: p.Ile15Ser; replaces isoleucine 15 with serine.
Molecular consequence: missense variant.
Genome position (GRCh38, 1-based): chr17:48,728,550, A>C on the plus strand (T>G on the coding strand, the complement: HOXB13 is on the minus strand). VCF-style: chr17-48728550-A-C. GRCh37 (hg19) VCF-style: chr17-46805912-A-C.
Other names: short protein forms I15S.
Identifiers: ClinVar variation 824951 (VCV000824951.15), dbSNP rs1167132244, ClinGen allele CA400109784.
Genomic context (GRCh38, chr17:48,728,550, plus strand): 5'-CTGGTCAGAGGGGAGTGGGCGACCAGATTCCGCCCCCCTCCCGCTCCCAGCAAGCCTTCG[A>C]TATCCTTGGCTCCATCCAAGGTGGCATAATTGCCGGGCTCCATGGAGCCGAGGGTCGGCT-3'
Protein context (NP_006352.2, residues 5-25): NYATLDGAKD[Ile15Ser]EGLLGAGGGR

ClinVar aggregate classification (germline): Uncertain significance. Review status: criteria provided, multiple submitters, no conflicts (2 of 4 stars). 4 submissions from 4 submitters: Uncertain significance (4). Last evaluated 2026-03-07.

Conditions:
HOXB13-related disorder. Also called: HOXB13-related disorders; HOXB13-related condition.
Hereditary cancer-predisposing syndrome. Also called: Neoplastic Syndromes, Hereditary; Hereditary Cancer Syndrome; Tumor predisposition; Hereditary neoplastic syndrome. Identifiers: Orphanet 140162, MedGen C0027672, MeSH D009386, MONDO:0015356.

Allele frequency attached by ClinVar (database versions not stated): gnomAD 0.00001; gnomAD exomes 0.00001.
gnomAD v4.1: 17 of 1,612,844 alleles (0.0011%); highest among the groups gnomAD compares: Non-Finnish European, 0.0014%; no homozygotes.

Submissions (4):

PreventionGenetics, part of Exact Sciences
Classification: Uncertain significance for HOXB13-related condition. Last evaluated: 2026-03-07. Review status: criteria provided, single submitter. Criteria: ACMG Guidelines, 2015. Collection method: clinical testing. Allele origin: germline.
Comment: The HOXB13 c.44T>G variant is predicted to result in the amino acid substitution p.Ile15Ser. To our knowledge, this variant has not been reported in the literature. This variant is reported in 0.0065% of alleles in individuals of European (Non-Finnish) descent in gnomAD and is classified as uncertain in ClinVar (Variation ID: 824951). At this time, the clinical significance of this variant is uncertain due to the absence of conclusive functional and genetic evidence.

Labcorp Genetics (formerly Invitae), Labcorp
Classification: Uncertain significance. Last evaluated: 2025-08-28. Review status: criteria provided, single submitter. Criteria: Invitae Variant Classification Sherloc (09022015). Collection method: clinical testing. Allele origin: germline.
Comment: This sequence change replaces isoleucine, which is neutral and non-polar, with serine, which is neutral and polar, at codon 15 of the HOXB13 protein (p.Ile15Ser). This variant is present in population databases (no rsID available, gnomAD 0.007%). This variant has not been reported in the literature in individuals affected with HOXB13-related conditions. ClinVar contains an entry for this variant (Variation ID: 824951). An algorithm developed to predict the effect of missense changes on protein structure and function (PolyPhen-2) suggests that this variant is likely to be tolerated. In summary, the available evidence is currently insufficient to determine the role of this variant in disease. Therefore, it has been classified as a Variant of Uncertain Significance.

Ambry Genetics
Classification: Uncertain significance for Hereditary cancer-predisposing syndrome. Last evaluated: 2024-10-13. Review status: criteria provided, single submitter. Criteria: Ambry Variant Classification Scheme 2023. Collection method: clinical testing. Allele origin: germline.
Comment: The p.I15S variant (also known as c.44T>G), located in coding exon 1 of the HOXB13 gene, results from a T to G substitution at nucleotide position 44. The isoleucine at codon 15 is replaced by serine, an amino acid with dissimilar properties. This amino acid position is not well conserved in available vertebrate species. In addition, the in silico prediction for this alteration is inconclusive. Since supporting evidence is limited at this time, the clinical significance of this alteration remains unclear.

GeneDx
Classification: Uncertain significance. Last evaluated: 2023-07-07. Review status: criteria provided, single submitter. Criteria: GeneDx Variant Classification Process June 2021. Collection method: clinical testing. Allele origin: germline. Affected: yes.
Comment: In silico analysis supports that this missense variant does not alter protein structure/function; Has not been previously published as pathogenic or benign to our knowledge